The following is an entry in ClinVar:

ClinVar aggregate classification (germline): Uncertain significance (1 of 4 stars; one submission).

Conditions:
Syndromic X-linked intellectual disability Najm type (MICPCH). Also called: MICPCH SYNDROME; Intellectual developmental disorder and microcephaly with pontine and cerebellar hypoplasia; Mental retardation and microcephaly with pontine and cerebellar hypoplasia; MENTAL RETARDATION, X-LINKED, SYNDROMIC, NAJM TYPE; Intellectual Disability and Microcephaly with Pontine and Cerebellar Hypoplasia (MICPCH); Intellectual Disability and Microcephaly with Pontine and Cerebellar Hypoplasia. Identifiers: Orphanet 163937, MedGen C2677903, MONDO:0010417, OMIM 300749.

Submission:

Victorian Clinical Genetics Services, Murdoch Childrens Research Institute
Classification: Uncertain significance for Syndromic X-linked intellectual disability Najm type. Last evaluated: 2020-10-15. Review status: criteria provided, single submitter. Criteria: ACMG Guidelines, 2015. Collection method: clinical testing. Allele origin: germline. Inheritance: X-linked inheritance.
Comment: Based on the classification scheme VCGS_Germline_v1.3.3, this variant is classified as 3C-VUS. Following criteria are met: 0102 - Loss of function is a known mechanism of disease in this gene and is associated with X-linked CASK-related intellectual disability. (I) 0110 - This gene is associated with X-linked dominant disease. Females with truncating variants are usually affected and affected males with milder missense variants have also been reported (OMIM). (I) 0200 - Variant is predicted to result in a missense amino acid change from methionine to isoleucine. (I) 0253 - This variant is hemizygous. (I) 0301 - Variant is absent from gnomAD (both v2 and v3). (SP) 0309 - Alternative amino acid changes at the same position have been observed in gnomAD (v2 & v3) (1 heterozygote, 0 homozygotes, 1 hemizygote). (I) 0503 - Missense variant consistently predicted to be tolerated by multiple in silico tools or not conserved in placental mammals with a minor amino acid change. (SB) 0600 - Variant is located in the annotated PDZ domain (NCBI, PDB). (I) 0705 - No comparable missense variants have previous evidence for pathogenicity. (I) 0807 - This variant has no previous evidence of pathogenicity. (I) 0905 - No published segregation evidence has been identified for this variant. (I) 1007 - No published functional evidence has been identified for this variant. (I) 1208 - Inheritance information for this variant is not currently available in this individual. (I) Legend: (SP) - Supporting pathogenic, (I) - Information, (SB) - Supporting benign

NM_001367721.1(CASK):c.1665G>A (p.Met555Ile)

Gene: CASK (calcium/calmodulin dependent serine protein kinase; minus strand). Cytogenetic location: Xp11.4.
Variant type: single nucleotide variant.
Coding change: c.1665G>A on transcript NM_001367721.1 (MANE Select); coding-DNA position 1665, G replaced by A.
Protein change: p.Met555Ile; replaces methionine 555 with isoleucine.
Molecular consequence: missense variant.
Genome position (GRCh38, 1-based): chrX:41,561,562, C>T on the plus strand (G>A on the coding strand, the complement: CASK is on the minus strand). VCF-style: chrX-41561562-C-T. GRCh37 (hg19) VCF-style: chrX-41420815-C-T.
Other names: c.1665G>A, p.Met555Ile (NM_001126054.3, NM_003688.4); c.1647G>A, p.Met549Ile (NM_001126055.3, NM_001410745.1); short protein forms M549I, M555I.
Identifiers: ClinVar variation 1699140 (VCV001699140.4), dbSNP rs2147155700, ClinGen allele CA412994886.